The following is an entry in ClinVar:

NM_002500.5(NEUROD1):c.271A>T (p.Met91Leu)

Gene: NEUROD1 (neuronal differentiation 1; minus strand). Cytogenetic location: 2q31.3.
Variant type: single nucleotide variant.
Coding change: c.271A>T on transcript NM_002500.5 (MANE Select); coding-DNA position 271, A replaced by T.
Protein change: p.Met91Leu; replaces methionine 91 with leucine.
Molecular consequence: missense variant.
Genome position (GRCh38, 1-based): chr2:181,678,590, T>A on the plus strand (A>T on the coding strand, the complement: NEUROD1 is on the minus strand). VCF-style: chr2-181678590-T-A. GRCh37 (hg19) VCF-style: chr2-182543317-T-A.
Other names: short protein forms M91L.
Identifiers: ClinVar variation 971529 (VCV000971529.9), dbSNP rs1688636130, ClinGen allele CA349786425.

ClinVar aggregate classification (germline): Uncertain significance (1 of 4 stars; one submission).

Submission:

Labcorp Genetics (formerly Invitae), Labcorp
Classification: Uncertain significance. Last evaluated: 2020-12-04. Review status: criteria provided, single submitter. Criteria: Invitae Variant Classification Sherloc (09022015). Collection method: clinical testing. Allele origin: germline.
Comment: In summary, the available evidence is currently insufficient to determine the role of this variant in disease. Therefore, it has been classified as a Variant of Uncertain Significance. Algorithms developed to predict the effect of missense changes on protein structure and function are either unavailable or do not agree on the potential impact of this missense change (SIFT: "Deleterious"; PolyPhen-2: "Benign"; Align-GVGD: "Class C0"). This variant has not been reported in the literature in individuals with NEUROD1-related conditions. This variant is not present in population databases (ExAC no frequency). This sequence change replaces methionine with leucine at codon 91 of the NEUROD1 protein (p.Met91Leu). The methionine residue is highly conserved and there is a small physicochemical difference between methionine and leucine.